The following is an entry in ClinVar:

ClinVar aggregate classification (germline): Likely pathogenic (1 of 4 stars; one submission).

Submission:

Centre of Medical Genetics, University Hospital Muenster
Classification: Likely pathogenic. Last evaluated: 2023-12-21. Review status: criteria provided, single submitter. Criteria: ACMG Guidelines, 2015. Collection method: clinical testing. Allele origin: unknown. Affected: yes. Observed: 1 variant allele, 1 heterozygote.
Comment: ACMG categories: PVS1,PM2

NM_000361.3(THBD):c.1392C>A (p.Cys464Ter)

Gene: THBD (thrombomodulin; minus strand). Cytogenetic location: 20p11.21.
Variant type: single nucleotide variant.
Coding change: c.1392C>A on transcript NM_000361.3 (MANE Select); coding-DNA position 1392, C replaced by A.
Protein change: p.Cys464Ter; replaces cysteine 464 with a stop codon.
Molecular consequence: nonsense.
Genome position (GRCh38, 1-based): chr20:23,048,113, G>T on the plus strand (C>A on the coding strand, the complement: THBD is on the minus strand). VCF-style: chr20-23048113-G-T. GRCh37 (hg19) VCF-style: chr20-23028750-G-T.
Other names: short protein forms C464*.
Identifiers: ClinVar variation 3383410 (VCV003383410.2).